The following is an entry in ClinVar:

ClinVar aggregate classification (germline): Uncertain significance. Review status: criteria provided, multiple submitters, no conflicts (2 of 4 stars). 4 submissions from 3 submitters: Uncertain significance (4). Last evaluated 2024-11-05.

Conditions:
Retinitis pigmentosa 39 (RP39). Identifiers: Orphanet 791, MedGen C3151138, MONDO:0013436, OMIM 613809.
Usher syndrome type 2A. Also called: RETINAL DISEASE IN USHER SYNDROME TYPE IIA, MODIFIER OF; USHER SYNDROME, TYPE IIA. Identifiers: Orphanet 231178, Orphanet 886, MedGen C1848634, MONDO:0010169, OMIM 276901.

Allele frequency attached by ClinVar (database versions not stated): gnomAD exomes below 0.00001.
gnomAD v4.1: 4 of 1,612,276 alleles (0.00025%); highest among the groups gnomAD compares: Non-Finnish European, 0.00025%; no homozygotes.

Submissions (4):

Labcorp Genetics (formerly Invitae), Labcorp
Classification: Uncertain significance. Last evaluated: 2024-11-05. Review status: criteria provided, single submitter. Criteria: Invitae Variant Classification Sherloc (09022015). Collection method: clinical testing. Allele origin: germline.
Comment: This sequence change replaces glycine, which is neutral and non-polar, with glutamic acid, which is acidic and polar, at codon 44 of the USH2A protein (p.Gly44Glu). This variant is not present in population databases (gnomAD no frequency). This variant has not been reported in the literature in individuals affected with USH2A-related conditions. ClinVar contains an entry for this variant (Variation ID: 865906). Invitae Evidence Modeling of protein sequence and biophysical properties (such as structural, functional, and spatial information, amino acid conservation, physicochemical variation, residue mobility, and thermodynamic stability) indicates that this missense variant is not expected to disrupt USH2A protein function with a negative predictive value of 95%. This variant disrupts the p.Gly44 amino acid residue in USH2A. Other variant(s) that disrupt this residue have been observed in individuals with USH2A-related conditions (PMID: 32036094; internal data), which suggests that this may be a clinically significant amino acid residue. In summary, the available evidence is currently insufficient to determine the role of this variant in disease. Therefore, it has been classified as a Variant of Uncertain Significance.

Genome-Nilou Lab
Classification: Uncertain significance for Retinitis pigmentosa 39. Last evaluated: 2023-11-04. Review status: criteria provided, single submitter. Criteria: ACMG Guidelines, 2015. Collection method: clinical testing. Allele origin: germline. Affected: no.

Genome-Nilou Lab
Classification: Uncertain significance for Usher syndrome type 2A. Last evaluated: 2023-11-04. Review status: criteria provided, single submitter. Criteria: ACMG Guidelines, 2015. Collection method: clinical testing. Allele origin: germline. Affected: no.

Blueprint Genetics
Classification: Uncertain significance. Last evaluated: 2019-03-29. Review status: criteria provided, single submitter. Criteria: ACMG Guidelines, 2015. Collection method: clinical testing. Allele origin: germline.

Literature cited by the submitters: PubMed 32036094 (cited by Labcorp Genetics (formerly Invitae), Labcorp).

NM_206933.4(USH2A):c.131G>A (p.Gly44Glu)

Gene: USH2A (usherin; minus strand). Cytogenetic location: 1q41.
Variant type: single nucleotide variant.
Coding change: c.131G>A on transcript NM_206933.4 (MANE Select); coding-DNA position 131, G replaced by A.
Protein change: p.Gly44Glu; replaces glycine 44 with glutamic acid.
Molecular consequence: missense variant.
Genome position (GRCh38, 1-based): chr1:216,422,206, C>T on the plus strand (G>A on the coding strand, the complement: USH2A is on the minus strand). VCF-style: chr1-216422206-C-T. GRCh37 (hg19) VCF-style: chr1-216595548-C-T.
Other names: c.131G>A, p.Gly44Glu (NM_007123.6); short protein forms G44E.
Identifiers: ClinVar variation 865906 (VCV000865906.9), dbSNP rs2039690182, ClinGen allele CA344904907.